The following is an entry in ClinVar:

NM_001267550.2(TTN):c.65047C>A (p.Pro21683Thr)

Genes: TTN (titin; minus strand), TTN-AS1 (TTN antisense RNA 1; plus strand). Cytogenetic location: 2q31.2.
Variant type: single nucleotide variant.
Coding change: c.65047C>A on transcript NM_001267550.2 (MANE Select); coding-DNA position 65047, C replaced by A.
Protein change: p.Pro21683Thr; replaces proline 21683 with threonine.
Molecular consequence: missense variant.
Genome position (GRCh38, 1-based): chr2:178,584,504, G>T on the plus strand (C>A on the coding strand, the complement: TTN is on the minus strand). VCF-style: chr2-178584504-G-T. GRCh37 (hg19) VCF-style: chr2-179449231-G-T.
Other names: p.P20042T:CCA>ACA; c.60124C>A, p.Pro20042Thr (NM_001256850.1); c.37852C>A, p.Pro12618Thr (NM_003319.4); c.57343C>A, p.Pro19115Thr (NM_133378.4); c.38227C>A, p.Pro12743Thr (NM_133432.3); c.38428C>A, p.Pro12810Thr (NM_133437.4); short protein forms P20042T, P21683T, P12618T, P19115T, P12810T, P12743T.
Identifiers: ClinVar variation 202790 (VCV000202790.16), dbSNP rs528707403, ClinGen allele CA310298.

ClinVar aggregate classification (germline): Conflicting classifications of pathogenicity. Review status: criteria provided, conflicting classifications (1 of 4 stars). 5 submissions from 5 submitters: Uncertain significance (4); Likely benign (1). Last evaluated 2026-04-01.

Conditions:
Cardiovascular phenotype. Identifiers: MedGen CN230736.

Allele frequency attached by ClinVar (database versions not stated): ExAC 0.00002; gnomAD exomes 0.00002 and 0.00015; TOPMed 0.00003; gnomAD 0.00004; 1000 Genomes Project 0.00020; 1000 Genomes Project 30x 0.00031.
gnomAD v4.1: 219 of 1,613,148 alleles (0.014%); highest among the groups gnomAD compares: Non-Finnish European, 0.018%; no homozygotes.

Submissions (5):

CeGaT Center for Human Genetics Tuebingen
Classification: Uncertain significance. Last evaluated: 2026-04-01. Review status: criteria provided, single submitter. Criteria: CeGaT Center For Human Genetics Tuebingen Variant Classification Criteria Version 2. Collection method: clinical testing. Allele origin: germline. Affected: yes. Observed: 1 variant allele.
Comment: TTN: PM2, PP3

Revvity Omics, Revvity
Classification: Uncertain significance. Last evaluated: 2025-06-18. Review status: criteria provided, single submitter. Criteria: ACMG Guidelines, 2015. Collection method: clinical testing. Allele origin: germline.

GeneDx
Classification: Likely benign. Last evaluated: 2019-05-23. Review status: criteria provided, single submitter. Criteria: GeneDx Variant Classification Process June 2021. Collection method: clinical testing. Allele origin: germline. Affected: yes.

Eurofins Ntd Llc (ga)
Classification: Uncertain significance. Last evaluated: 2018-06-13. Review status: criteria provided, single submitter. Criteria: EGL ClinVar v180209 classification definitions. Collection method: clinical testing. Allele origin: germline. Observed: 1 variant allele, 1 heterozygote.

Ambry Genetics
Classification: Uncertain significance for Cardiovascular phenotype. Last evaluated: 2016-06-13. Review status: criteria provided, single submitter. Criteria: Ambry Variant Classification Scheme 2023. Collection method: clinical testing. Allele origin: germline.
Comment: The p.P12618T variant (also known as c.37852C>A), located in coding exon 138 of the TTN gene, results from a C to A substitution at nucleotide position 37852. The proline at codon 12618 is replaced by threonine, an amino acid with highly similar properties. This alteration is located in the A-band region of the N2-B isoform of the titin protein. This variant was previously reported in the SNPDatabase as rs528707403. Based on data from ExAC, the A allele has an overall frequency of < 0.01% (1/105087). In the NHLBI Exome Sequencing Project (ESP) database, this variant was not observed in 6011 samples (12022 alleles) with coverage at this position. This amino acid position is highly conserved in available vertebrate species. In addition, the in silico prediction for this alteration is inconclusive. Since supporting evidence is limited at this time, the clinical significance of this variant remains unclear.